The following is an entry in ClinVar:

NC_000009.11:g.(?_271607)_(434995_?)dup

Gene: DOCK8 (dedicator of cytokinesis 8; plus strand). Cytogenetic location: 9p24.3.
Variant type: Duplication.
Identifiers: ClinVar variation 3245221 (VCV003245221.1).

ClinVar aggregate classification (germline): Likely pathogenic (1 of 4 stars; one submission).

Submission:

Labcorp Genetics (formerly Invitae), Labcorp
Classification: Likely pathogenic. Last evaluated: 2023-06-27. Review status: criteria provided, single submitter. Criteria: Invitae Variant Classification Sherloc (09022015). Collection method: clinical testing. Allele origin: unknown.
Comment: In summary, the currently available evidence indicates that the variant is pathogenic, but additional data are needed to prove that conclusively. Therefore, this variant has been classified as Likely Pathogenic. This variant has not been reported in the literature in individuals affected with DOCK8-related conditions. This variant results in a copy number gain of the genomic region encompassing exon(s) 2-39 of the DOCK8 gene. While the exact position of this variant cannot be determined from the data, sub-genic copy number gains are generally in tandem (PMID: 25640679). This variant is predicted to be out-of-frame, and may result in an absent or disrupted protein product. Loss-of-function variants in DOCK8 are known to be pathogenic (PMID: 14722525, 19776401).

Literature cited by the submitters: PubMed 25640679; PubMed 14722525; PubMed 19776401.